The following is an entry in ClinVar:

NM_000548.5(TSC2):c.1600-7_1600-6del

Gene: TSC2 (TSC complex subunit 2; plus strand). Cytogenetic location: 16p13.3.
Variant type: Deletion.
Coding change: c.1600-7_1600-6del on transcript NM_000548.5 (MANE Select); 7 bases into the intron before coding-DNA position 1600 through 6 bases into the intron before coding-DNA position 1600, 2 bases deleted (TT; older notation c.1600-7_1600-6delTT).
Molecular consequence: intron variant.
Genome position (GRCh38, 1-based): chr16:2,065,512-2,065,513, TT deleted. VCF-style (leftmost placement, unchanged base first): chr16-2065511-CTT-C. GRCh37 (hg19) VCF-style: chr16-2115512-CTT-C.
Other names: c.1600-7_1600-6del (NM_001114382.3, NM_021055.3, NM_001370405.1 and 3 more transcripts); c.1489-7_1489-6del (NM_001318827.2); c.1000-7_1000-6del (NM_001318831.2); c.1453-7_1453-6del (NM_001318829.2); c.1633-7_1633-6del (NM_001318832.2).
Identifiers: ClinVar variation 2002174 (VCV002002174.4), dbSNP rs2543466820, ClinGen allele CA2580090521.

ClinVar aggregate classification (germline): Uncertain significance (1 of 4 stars; one submission).

Conditions:
Tuberous sclerosis 2 (TSC2). Identifiers: Orphanet 805, MedGen C1860707, MONDO:0013199, OMIM 613254.

Submission:

Labcorp Genetics (formerly Invitae), Labcorp
Classification: Uncertain significance for Tuberous sclerosis 2. Last evaluated: 2022-08-29. Review status: criteria provided, single submitter. Criteria: Invitae Variant Classification Sherloc (09022015). Collection method: clinical testing. Allele origin: germline.
Comment: In summary, the available evidence is currently insufficient to determine the role of this variant in disease. Therefore, it has been classified as a Variant of Uncertain Significance. This sequence change falls in intron 15 of the TSC2 gene. It does not directly change the encoded amino acid sequence of the TSC2 protein. This variant has not been reported in the literature in individuals affected with TSC2-related conditions. Algorithms developed to predict the effect of sequence changes on RNA splicing suggest that this variant may create or strengthen a splice site. This variant is not present in population databases (gnomAD no frequency).